The following is an entry in ClinVar:

NM_006015.6(ARID1A):c.5618C>G (p.Pro1873Arg)

Gene: ARID1A (AT-rich interaction domain 1A; plus strand). Cytogenetic location: 1p36.11.
Variant type: single nucleotide variant.
Coding change: c.5618C>G on transcript NM_006015.6 (MANE Select); coding-DNA position 5618, C replaced by G.
Protein change: p.Pro1873Arg; replaces proline 1873 with arginine.
Molecular consequence: missense variant.
Genome position (GRCh38, 1-based): chr1:26,779,516, C>G. VCF-style: chr1-26779516-C-G. GRCh37 (hg19) VCF-style: chr1-27106007-C-G.
Other names: c.4967C>G, p.Pro1656Arg (NM_139135.4); short protein forms P1656R, P1873R.
Identifiers: ClinVar variation 4703507 (VCV004703507.2).

ClinVar aggregate classification (germline): Uncertain significance. Review status: criteria provided, multiple submitters, no conflicts (2 of 4 stars). 2 submissions from 2 submitters: Uncertain significance (2). Last evaluated 2025-08-01.

gnomAD v4.1: 3 of 1,614,102 alleles (0.00019%); highest among the groups gnomAD compares: Admixed American, 0.0017%; no homozygotes.

Submissions (2):

Labcorp Genetics (formerly Invitae), Labcorp
Classification: Uncertain significance. Last evaluated: 2025-08-01. Review status: criteria provided, single submitter. Criteria: Invitae Variant Classification Sherloc (09022015). Collection method: clinical testing. Allele origin: germline.
Comment: This sequence change replaces proline, which is neutral and non-polar, with arginine, which is basic and polar, at codon 1873 of the ARID1A protein (p.Pro1873Arg). This variant is present in population databases (no rsID available, gnomAD 0.0009%). This variant has not been reported in the literature in individuals affected with ARID1A-related conditions. Invitae Evidence Modeling of protein sequence and biophysical properties (such as structural, functional, and spatial information, amino acid conservation, physicochemical variation, residue mobility, and thermodynamic stability) indicates that this missense variant is not expected to disrupt ARID1A protein function with a negative predictive value of 80%. In summary, the available evidence is currently insufficient to determine the role of this variant in disease. Therefore, it has been classified as a Variant of Uncertain Significance.

Blueprint Genetics
Classification: Uncertain significance. Last evaluated: 2024-11-11. Review status: criteria provided, single submitter. Criteria: ACMG Guidelines, 2015. Collection method: clinical testing. Allele origin: germline.